The following is an entry in ClinVar:

ClinVar aggregate classification (germline): Uncertain significance. Review status: criteria provided, multiple submitters, no conflicts (2 of 4 stars). 3 submissions from 3 submitters: Uncertain significance (3). Last evaluated 2024-05-22.

Conditions:
Dilated cardiomyopathy 1KK (CMD1KK). Identifiers: Orphanet 154, Orphanet 75249, MedGen C3714995, MONDO:0014100, OMIM 615248.
Cardiovascular phenotype. Identifiers: MedGen CN230736.

Allele frequency attached by ClinVar (database versions not stated): gnomAD exomes below 0.00001 and 0.00001; gnomAD 0.00001; TOPMed 0.00001.
gnomAD v4.1: 10 of 1,614,110 alleles (0.00062%); highest among the groups gnomAD compares: African/African-American, 0.0027%; no homozygotes.

Submissions (3):

Ambry Genetics
Classification: Uncertain significance for Cardiovascular phenotype. Last evaluated: 2024-05-22. Review status: criteria provided, single submitter. Criteria: Ambry Variant Classification Scheme 2023. Collection method: clinical testing. Allele origin: germline.
Comment: The p.E23D variant (also known as c.69A>C), located in coding exon 1 of the MYPN gene, results from an A to C substitution at nucleotide position 69. The glutamic acid at codon 23 is replaced by aspartic acid, an amino acid with highly similar properties. This amino acid position is conserved. In addition, the in silico prediction for this alteration is inconclusive. Based on the available evidence, the clinical significance of this variant remains unclear.

Labcorp Genetics (formerly Invitae), Labcorp
Classification: Uncertain significance for Dilated cardiomyopathy 1KK. Last evaluated: 2022-10-24. Review status: criteria provided, single submitter. Criteria: Invitae Variant Classification Sherloc (09022015). Collection method: clinical testing. Allele origin: germline.
Comment: This sequence change replaces glutamic acid, which is acidic and polar, with aspartic acid, which is acidic and polar, at codon 23 of the MYPN protein (p.Glu23Asp). This variant is present in population databases (no rsID available, gnomAD 0.01%). This variant has not been reported in the literature in individuals affected with MYPN-related conditions. ClinVar contains an entry for this variant (Variation ID: 573795). Algorithms developed to predict the effect of missense changes on protein structure and function (SIFT, PolyPhen-2, Align-GVGD) all suggest that this variant is likely to be disruptive. In summary, the available evidence is currently insufficient to determine the role of this variant in disease. Therefore, it has been classified as a Variant of Uncertain Significance.

GeneDx
Classification: Uncertain significance. Last evaluated: 2020-01-10. Review status: criteria provided, single submitter. Criteria: GeneDx Variant Classification Process June 2021. Collection method: clinical testing. Allele origin: germline. Affected: yes.
Comment: Has not been previously published as pathogenic or benign to our knowledge; Reported in ClinVar as a variant of uncertain significance (ClinVar Variant ID# 573795; Landrum et al., 2016); Not observed at a significant frequency in large population cohorts (Lek et al., 2016); In silico analysis, which includes protein predictors and evolutionary conservation, supports that this variant does not alter protein structure/function

NM_032578.4(MYPN):c.69A>C (p.Glu23Asp)

Gene: MYPN (myopalladin; plus strand). Cytogenetic location: 10q21.3.
Variant type: single nucleotide variant.
Coding change: c.69A>C on transcript NM_032578.4 (MANE Select); coding-DNA position 69, A replaced by C.
Protein change: p.Glu23Asp; replaces glutamic acid 23 with aspartic acid.
Molecular consequence: missense variant. On other transcripts: 5 prime UTR variant (1), non-coding transcript variant (1).
Genome position (GRCh38, 1-based): chr10:68,121,507, A>C. VCF-style: chr10-68121507-A-C. GRCh37 (hg19) VCF-style: chr10-69881264-A-C.
Other names: c.69A>C, p.Glu23Asp (NM_001256267.2); c.-1054A>C (NM_001256268.2); c.69A>C (NM_032578.2); short protein forms E23D.
Identifiers: ClinVar variation 573795 (VCV000573795.8), dbSNP rs1200405630, ClinGen allele CA377103546.